The following is an entry in ClinVar:

NM_024548.4(CEP97):c.1625C>T (p.Thr542Ile)

Gene: CEP97 (centrosomal protein 97; plus strand). Cytogenetic location: 3q12.3.
Variant type: single nucleotide variant.
Coding change: c.1625C>T on transcript NM_024548.4 (MANE Select); coding-DNA position 1625, C replaced by T.
Protein change: p.Thr542Ile; replaces threonine 542 with isoleucine.
Molecular consequence: missense variant.
Genome position (GRCh38, 1-based): chr3:101,758,231, C>T. VCF-style: chr3-101758231-C-T. GRCh37 (hg19) VCF-style: chr3-101477075-C-T.
Other names: c.1448C>T, p.Thr483Ile (NM_001303401.2); c.1523C>T, p.Thr508Ile (NM_001410784.1); c.1346C>T, p.Thr449Ile (NM_001410785.1); short protein forms T508I, T542I, T483I, T449I.
Identifiers: ClinVar variation 2174763 (VCV002174763.4), dbSNP rs746418238, ClinGen allele CA2522152.

ClinVar aggregate classification (germline): Uncertain significance (1 of 4 stars; one submission).

Allele frequency attached by ClinVar (database versions not stated): ExAC 0.00001; gnomAD exomes 0.00001; gnomAD 0.00002; TOPMed 0.00002.
gnomAD v4.1: 11 of 1,614,068 alleles (0.00068%); highest among the groups gnomAD compares: African/African-American, 0.0013%; no homozygotes.

Submission:

Labcorp Genetics (formerly Invitae), Labcorp
Classification: Uncertain significance. Last evaluated: 2023-12-14. Review status: criteria provided, single submitter. Criteria: Invitae Variant Classification Sherloc (09022015). Collection method: clinical testing. Allele origin: germline.
Comment: This sequence change replaces threonine, which is neutral and polar, with isoleucine, which is neutral and non-polar, at codon 542 of the CEP97 protein (p.Thr542Ile). This variant is present in population databases (rs746418238, gnomAD 0.002%). This variant has not been reported in the literature in individuals affected with CEP97-related conditions. ClinVar contains an entry for this variant (Variation ID: 2174763). Advanced modeling of protein sequence and biophysical properties (such as structural, functional, and spatial information, amino acid conservation, physicochemical variation, residue mobility, and thermodynamic stability) performed at Invitae indicates that this missense variant is not expected to disrupt CEP97 protein function with a negative predictive value of 80%. In summary, the available evidence is currently insufficient to determine the role of this variant in disease. Therefore, it has been classified as a Variant of Uncertain Significance.